The following is an entry in ClinVar:

ClinVar aggregate classification (germline): Pathogenic (1 of 4 stars; one submission).

Conditions:
Hereditary breast ovarian cancer syndrome. Also called: Hereditary breast and/or ovarian cancer syndrome; Hereditary breast and ovarian cancer syndrome; Hereditary breast and ovarian cancer; Hereditary breast and ovarian cancer syndrome (HBOC); Breast and ovarian cancer; BRCA1- and BRCA2-Associated Hereditary Breast and Ovarian Cancer. Identifiers: Orphanet 145, MedGen C0677776, MeSH D061325, MONDO:0003582. Disease mechanism: loss of function.

Submission:

Labcorp Genetics (formerly Invitae), Labcorp
Classification: Pathogenic for Hereditary breast ovarian cancer syndrome. Last evaluated: 2025-10-01. Review status: criteria provided, single submitter. Criteria: Invitae Variant Classification Sherloc (09022015). Collection method: clinical testing. Allele origin: germline.
Comment: This sequence change creates a premature translational stop signal (p.Arg2401Serfs*64) in the BRCA2 gene. It is expected to result in an absent or disrupted protein product. Loss-of-function variants in BRCA2 are known to be pathogenic (PMID: 20104584). This variant is not present in population databases (gnomAD no frequency). This variant has not been reported in the literature in individuals affected with BRCA2-related conditions. ClinVar contains an entry for this variant (Variation ID: 2096305). For these reasons, this variant has been classified as Pathogenic.

Literature cited by the submitters: PubMed 20104584.

NM_000059.4(BRCA2):c.7201_7213del (p.Arg2401fs)

Gene: BRCA2 (BRCA2 DNA repair associated; plus strand). Cytogenetic location: 13q13.1.
Variant type: Deletion.
Coding change: c.7201_7213del on transcript NM_000059.4 (MANE Select); coding-DNA positions 7201 to 7213, 13 bases deleted (AGACCAACCAAAG).
Protein change: p.Arg2401fs; shifts the reading frame from arginine 2401.
Molecular consequence: frameshift variant.
Genome position (GRCh38, 1-based): chr13:32,355,054-32,355,066, AGACCAACCAAAG deleted. VCF-style (leftmost placement, unchanged base first): chr13-32355053-CAGACCAACCAAAG-C. GRCh37 (hg19) VCF-style: chr13-32929190-CAGACCAACCAAAG-C.
Other names: c.7105_7117delAGACCAACCAAAG, p.Arg2369Serfs (NM_001406719.1); c.7201_7213delAGACCAACCAAAG, p.Arg2401Serfs (NM_001406720.1); c.2269_2281delAGACCAACCAAAG, p.Arg757Serfs (NM_001406721.1); c.784_796delAGACCAACCAAAG, p.Arg262Serfs (NM_001406722.1); short protein forms R2401fs.
Identifiers: ClinVar variation 2096305 (VCV002096305.4), dbSNP rs2548540260, ClinGen allele CA2580087404.
Genomic context (GRCh38, chr13:32,355,053, plus strand): 5'-TCCATTTTATCAAGTTTCTGCTACAAGAAATGAAAAAATGAGACACTTGATTACTACAGG[CAGACCAACCAAAG>C]TCTTTGTTCCACCTTTTAAAACTAAATCACATTTTCACAGAGTTGAACAGTGTGTTAGGA-3'